The following is an entry in ClinVar:

ClinVar aggregate classification (germline): Likely benign. Review status: criteria provided, multiple submitters, no conflicts (2 of 4 stars). 2 submissions from 2 submitters: Likely benign (2). Last evaluated 2026-07-01.

Allele frequency attached by ClinVar (database versions not stated): ExAC 0.00006; gnomAD exomes 0.00011.
gnomAD v4.1: 181 of 1,614,038 alleles (0.011%); highest among the groups gnomAD compares: Admixed American, 0.015%; no homozygotes.

Submissions (2):

CeGaT Center for Human Genetics Tuebingen
Classification: Likely benign. Last evaluated: 2026-07-01. Review status: criteria provided, single submitter. Criteria: CeGaT Center For Human Genetics Tuebingen Variant Classification Criteria Version 2. Collection method: clinical testing. Allele origin: germline. Affected: yes. Observed: 3 variant alleles.
Comment: NAXD: BP4, BP7

Labcorp Genetics (formerly Invitae), Labcorp
Classification: Likely benign. Last evaluated: 2022-10-18. Review status: criteria provided, single submitter. Criteria: Invitae Variant Classification Sherloc (09022015). Collection method: clinical testing. Allele origin: germline.

NM_001242882.2(NAXD):c.666C>T (p.Asn222=)

Gene: NAXD (NAD(P)HX dehydratase; plus strand). Cytogenetic location: 13q34.
Variant type: single nucleotide variant.
Coding change: c.666C>T on transcript NM_001242882.2 (MANE Select); coding-DNA position 666, C replaced by T.
Protein change: p.Asn222=; no amino-acid change (asparagine 222 retained).
Molecular consequence: synonymous variant. On other transcripts: non-coding transcript variant (2).
Genome position (GRCh38, 1-based): chr13:110,635,536, C>T. VCF-style: chr13-110635536-C-T. GRCh37 (hg19) VCF-style: chr13-111287883-C-T.
Other names: c.720C>T, p.Asn240= (NM_001242881.2, NM_018210.4); c.390C>T, p.Asn130= (NM_001242883.2).
Identifiers: ClinVar variation 2057278 (VCV002057278.25), dbSNP rs759562313, ClinGen allele CA7051316.